The following is an entry in ClinVar:

ClinVar aggregate classification (germline): Uncertain significance. Review status: criteria provided, multiple submitters, no conflicts (2 of 4 stars). 2 submissions from 2 submitters: Uncertain significance (2). Last evaluated 2025-08-13.

Allele frequency attached by ClinVar (database versions not stated): TOPMed 0.00002; gnomAD exomes 0.00003 and 0.00007; gnomAD 0.00004; ExAC 0.00009.
gnomAD v4.1: 42 of 1,607,354 alleles (0.0026%); highest among the groups gnomAD compares: South Asian, 0.0056%; no homozygotes.

Submissions (2):

Ambry Genetics
Classification: Uncertain significance. Last evaluated: 2025-08-13. Review status: criteria provided, single submitter. Criteria: Ambry Variant Classification Scheme 2023. Collection method: clinical testing. Allele origin: germline.

Labcorp Genetics (formerly Invitae), Labcorp
Classification: Uncertain significance. Last evaluated: 2021-10-13. Review status: criteria provided, single submitter. Criteria: Invitae Variant Classification Sherloc (09022015). Collection method: clinical testing. Allele origin: germline.
Comment: This sequence change replaces arginine with glutamine at codon 239 of the CDCA7 protein (p.Arg239Gln). The arginine residue is highly conserved and there is a small physicochemical difference between arginine and glutamine. In summary, the available evidence is currently insufficient to determine the role of this variant in disease. Therefore, it has been classified as a Variant of Uncertain Significance. Algorithms developed to predict the effect of missense changes on protein structure and function (SIFT, PolyPhen-2, Align-GVGD) all suggest that this variant is likely to be tolerated. This variant has not been reported in the literature in individuals affected with CDCA7-related conditions. This variant is present in population databases (rs780128145, ExAC 0.02%).

NM_031942.5(CDCA7):c.716G>A (p.Arg239Gln)

Gene: CDCA7 (cell division cycle associated 7; plus strand). Cytogenetic location: 2q31.1.
Variant type: single nucleotide variant.
Coding change: c.716G>A on transcript NM_031942.5 (MANE Select); coding-DNA position 716, G replaced by A.
Protein change: p.Arg239Gln; replaces arginine 239 with glutamine.
Molecular consequence: missense variant.
Genome position (GRCh38, 1-based): chr2:173,364,811, G>A. VCF-style: chr2-173364811-G-A. GRCh37 (hg19) VCF-style: chr2-174229539-G-A.
Other names: c.479G>A, p.Arg160Gln (NM_145810.3); c.716G>A (NM_031942.4); short protein forms R160Q, R239Q.
Identifiers: ClinVar variation 1493801 (VCV001493801.6), dbSNP rs780128145, ClinGen allele CA1971319.